The following is an entry in ClinVar:

NM_000179.3(MSH6):c.1665A>G (p.Ala555=)

Gene: MSH6 (mutS homolog 6; plus strand). Cytogenetic location: 2p16.3.
Variant type: single nucleotide variant.
Coding change: c.1665A>G on transcript NM_000179.3 (MANE Select); coding-DNA position 1665, A replaced by G.
Protein change: p.Ala555=; no amino-acid change (alanine 555 retained).
Molecular consequence: synonymous variant.
Genome position (GRCh38, 1-based): chr2:47,799,648, A>G. VCF-style: chr2-47799648-A-G. GRCh37 (hg19) VCF-style: chr2-48026787-A-G.
Other names: p.A555A:GCA>GCG; c.1275A>G, p.Ala425= (NM_001281492.2); c.759A>G, p.Ala253= (NM_001281493.2, NM_001281494.2).
Identifiers: ClinVar variation 138258 (VCV000138258.71), dbSNP rs146785465, ClinGen allele CA009022.

ClinVar aggregate classification (germline): Conflicting classifications of pathogenicity. Review status: criteria provided, conflicting classifications (1 of 4 stars). 19 submissions from 19 submitters: Uncertain significance (1); Benign (6); Likely benign (11). 1 of the submissions does not count toward it. Last evaluated 2026-07-01.

Conditions:
Hereditary nonpolyposis colorectal neoplasms. Identifiers: MedGen C0009405, MeSH D003123.
Breast and/or ovarian cancer. Identifiers: MedGen CN221562.
Hereditary cancer-predisposing syndrome. Also called: Neoplastic Syndromes, Hereditary; Tumor predisposition; Hereditary neoplastic syndrome; Hereditary Cancer Syndrome. Identifiers: Orphanet 140162, MedGen C0027672, MeSH D009386, MONDO:0015356.
Lynch syndrome. Identifiers: Orphanet 144, MedGen C4552100, MONDO:0005835. Disease mechanism: loss of function.
Lynch syndrome 5 (LYNCH5). Also called: Colorectal cancer, hereditary nonpolyposis, type 5; Hereditary non-polyposis colorectal cancer, type 5. Identifiers: Orphanet 144, MedGen C1833477, MONDO:0013710, OMIM 614350. Disease mechanism: loss of function.

Allele frequency attached by ClinVar (database versions not stated): gnomAD exomes 0.00008 and 0.00017; ExAC 0.00022; ESP Exome Variant Server 0.00054; gnomAD 0.00062 and 0.00066; TOPMed 0.00068; 1000 Genomes Project 0.00080; 1000 Genomes Project 30x 0.00109.

Submissions (19):

CeGaT Center for Human Genetics Tuebingen
Classification: Likely benign. Last evaluated: 2026-07-01. Review status: criteria provided, single submitter. Criteria: CeGaT Center For Human Genetics Tuebingen Variant Classification Criteria Version 2. Collection method: clinical testing. Allele origin: germline. Affected: yes. Observed: 4 variant alleles.
Comment: MSH6: BP4, BP7

Labcorp Genetics (formerly Invitae), Labcorp
Classification: Benign for Hereditary nonpolyposis colorectal neoplasms. Last evaluated: 2026-01-26. Review status: criteria provided, single submitter. Criteria: Invitae Variant Classification Sherloc (09022015). Collection method: clinical testing. Allele origin: germline.

ARUP Laboratories, Molecular Genetics and Genomics, ARUP Laboratories
Classification: Benign. Last evaluated: 2025-07-17. Review status: criteria provided, single submitter. Criteria: ARUP Molecular Germline Variant Investigation Process 2024. Collection method: clinical testing. Allele origin: germline.

Center for Genomic Medicine, Rigshospitalet, Copenhagen University Hospital
Classification: Likely benign. Last evaluated: 2025-03-04. Review status: criteria provided, single submitter. Criteria: ACMG Guidelines, 2015. Collection method: clinical testing. Allele origin: germline.

Department of Pathology and Laboratory Medicine, Sinai Health System
Classification: Likely benign for Lynch syndrome 5. Last evaluated: 2024-10-09. Review status: criteria provided, single submitter. Criteria: ACMG Guidelines, 2015. Collection method: clinical testing. Allele origin: germline. Affected: yes.

All of Us Research Program, National Institutes of Health
Classification: Likely benign for Lynch syndrome. Last evaluated: 2024-01-08. Review status: criteria provided, single submitter. Criteria: ACMG Guidelines, 2015. Collection method: clinical testing. Allele origin: germline. Inheritance: Autosomal dominant inheritance. Observed: 37 variant alleles, 37 heterozygotes.
Comment: This study involves interpretation of variants in research participants for the purpose of population health screening. Participant phenotype was not available at the time of variant classification. Additional details can be found in publication PMID: 35346344, PMCID: PMC8962531

Myriad Genetics, Inc.
Classification: Benign for Lynch syndrome 5. Last evaluated: 2023-03-29. Review status: criteria provided, single submitter. Criteria: Myriad Autosomal Dominant, Autosomal Recessive and X-Linked Classification Criteria (2023). Collection method: clinical testing. Allele origin: unknown.
Comment: This variant is considered benign. This variant is a silent/synonymous amino acid change and it is not expected to impact splicing.

Blueprint Genetics
Classification: Likely benign. Last evaluated: 2023-03-21. Review status: criteria provided, single submitter. Criteria: ACMG Guidelines, 2015. Collection method: clinical testing. Allele origin: germline.

CHEO Genetics Diagnostic Laboratory, Children's Hospital of Eastern Ontario
Classification: Likely benign for Breast and/or ovarian cancer. Last evaluated: 2023-01-26. Review status: criteria provided, single submitter. Criteria: ACMG Guidelines, 2015. Collection method: clinical testing. Allele origin: germline.

Quest Diagnostics Nichols Institute San Juan Capistrano
Classification: Benign. Last evaluated: 2021-07-21. Review status: criteria provided, single submitter. Criteria: Quest Diagnostics criteria. Collection method: clinical testing. Allele origin: unknown.

Sema4
Classification: Likely benign for Hereditary cancer-predisposing syndrome. Last evaluated: 2021-06-14. Review status: criteria provided, single submitter. Criteria: Sema4 Curation Guidelines. Collection method: curation. Allele origin: germline.

Ambry Genetics
Classification: Likely benign for Hereditary cancer-predisposing syndrome. Last evaluated: 2019-05-21. Review status: criteria provided, single submitter. Criteria: Ambry Variant Classification Scheme 2023. Collection method: clinical testing. Allele origin: germline.

Illumina Laboratory Services, Illumina
Classification: Uncertain significance for Lynch syndrome 5. Last evaluated: 2018-01-13. Review status: criteria provided, single submitter. Criteria: ICSL Variant Classification Criteria 13 December 2019. Collection method: clinical testing. Allele origin: germline.

Eurofins Ntd Llc (ga)
Classification: Likely benign. Last evaluated: 2017-04-28. Review status: criteria provided, single submitter. Criteria: EGL Classification Definitions 2015. Collection method: clinical testing. Allele origin: germline. Observed: 1 variant allele, 1 heterozygote.

Genetic Services Laboratory, University of Chicago
Classification: Likely benign. Last evaluated: 2017-04-17. Review status: criteria provided, single submitter. Criteria: ACMG Guidelines, 2015. Collection method: clinical testing. Allele origin: germline. Affected: no.

Women's Health and Genetics/Laboratory Corporation of America, LabCorp
Classification: Benign. Last evaluated: 2016-01-05. Review status: criteria provided, single submitter. Criteria: LabCorp Variant Classification Summary - May 2015. Collection method: clinical testing. Allele origin: germline.

Color Diagnostics, LLC DBA Color Health
Classification: Likely benign for Hereditary cancer-predisposing syndrome. Last evaluated: 2015-05-29. Review status: criteria provided, single submitter. Criteria: ACMG Guidelines, 2015. Collection method: clinical testing. Allele origin: germline.

GeneDx
Classification: Benign. Last evaluated: 2014-02-18. Review status: criteria provided, single submitter. Criteria: GeneDx Variant Classification (06012015). Collection method: clinical testing. Allele origin: germline. Affected: yes.
Comment: This variant is considered likely benign or benign based on one or more of the following criteria: it is a conservative change, it occurs at a poorly conserved position in the protein, it is predicted to be benign by multiple in silico algorithms, and/or has population frequency not consistent with disease.

Counsyl
Classification: Likely benign for Lynch syndrome 5. Last evaluated: 2017-06-10. Review status: no assertion criteria provided. Collection method: clinical testing. Allele origin: unknown. Not counted in ClinVar's aggregate classification.